The following is an entry in ClinVar:

ClinVar aggregate classification (germline): Uncertain significance. Review status: criteria provided, multiple submitters, no conflicts (2 of 4 stars). 3 submissions from 3 submitters: Uncertain significance (3). Last evaluated 2025-07-09.

Conditions:
FGFR2-related craniosynostosis. Identifiers: MedGen CN231480.
Inborn genetic diseases. Identifiers: MedGen C0950123, MeSH D030342.

Allele frequency attached by ClinVar (database versions not stated): gnomAD exomes below 0.00001; TOPMed below 0.00001.
gnomAD v4.1: 2 of 1,614,196 alleles (0.00012%); highest among the groups gnomAD compares: Admixed American, 0.0033%; no homozygotes.

Submissions (3):

Labcorp Genetics (formerly Invitae), Labcorp
Classification: Uncertain significance for FGFR2-related craniosynostosis. Last evaluated: 2025-07-09. Review status: criteria provided, single submitter. Criteria: Invitae Variant Classification Sherloc (09022015). Collection method: clinical testing. Allele origin: germline.
Comment: This sequence change replaces phenylalanine, which is neutral and non-polar, with valine, which is neutral and non-polar, at codon 409 of the FGFR2 protein (p.Phe409Val). This variant is not present in population databases (gnomAD no frequency). This variant has not been reported in the literature in individuals affected with FGFR2-related conditions. ClinVar contains an entry for this variant (Variation ID: 2576791). Invitae Evidence Modeling of protein sequence and biophysical properties (such as structural, functional, and spatial information, amino acid conservation, physicochemical variation, residue mobility, and thermodynamic stability) indicates that this missense variant is not expected to disrupt FGFR2 protein function with a negative predictive value of 80%. In summary, the available evidence is currently insufficient to determine the role of this variant in disease. Therefore, it has been classified as a Variant of Uncertain Significance.

Ambry Genetics
Classification: Uncertain significance for Inborn genetic diseases. Last evaluated: 2025-03-30. Review status: criteria provided, single submitter. Criteria: Ambry Variant Classification Scheme 2023. Collection method: clinical testing. Allele origin: germline.

GeneDx
Classification: Uncertain significance. Last evaluated: 2023-02-15. Review status: criteria provided, single submitter. Criteria: GeneDx Variant Classification Process June 2021. Collection method: clinical testing. Allele origin: germline. Affected: yes.
Comment: Not observed at significant frequency in large population cohorts (gnomAD); In silico analysis supports that this missense variant has a deleterious effect on protein structure/function; Has not been previously published as pathogenic or benign to our knowledge

NM_000141.5(FGFR2):c.1225T>G (p.Phe409Val)

Gene: FGFR2 (fibroblast growth factor receptor 2; minus strand). Cytogenetic location: 10q26.13.
Variant type: single nucleotide variant.
Coding change: c.1225T>G on transcript NM_000141.5 (MANE Select); coding-DNA position 1225, T replaced by G.
Protein change: p.Phe409Val; replaces phenylalanine 409 with valine.
Molecular consequence: missense variant. On other transcripts: non-coding transcript variant (1), intron variant (1).
Genome position (GRCh38, 1-based): chr10:121,515,179, A>C on the plus strand (T>G on the coding strand, the complement: FGFR2 is on the minus strand). VCF-style: chr10-121515179-A-C. GRCh37 (hg19) VCF-style: chr10-123274693-A-C.
Other names: c.1228T>G, p.Phe410Val (NM_001144913.1, NM_022970.4); c.889T>G, p.Phe297Val (NM_001144914.1); c.958T>G, p.Phe320Val (NM_001144915.2, NM_023029.3); c.880T>G, p.Phe294Val (NM_001144916.2, NM_001144918.2); c.961T>G, p.Phe321Val (NM_001144919.2); c.541T>G, p.Phe181Val (NM_001320654.2); c.1225T>G, p.Phe409Val (NM_001320658.2); c.939+4800T>G (NM_001144917.2); short protein forms F181V, F294V, F297V, F320V, F321V, F409V, F410V.
Identifiers: ClinVar variation 2576791 (VCV002576791.3), dbSNP rs957258787, ClinGen allele CA214305295.
Genomic context (GRCh38, chr10:121,515,179, plus strand): 5'-TTACCTGTCTCCGCAGGGGGATACGTTTGGTCAGCTTGTGCACAGCCGGCTGGCTGCTGA[A>C]GTCTGGCTTCTTGGTCGTGTTCTTCATTCGGCACAGGATGACTGTTACCACCATACAGGC-3'
Protein context (NP_000132.3, residues 399-419): RMKNTTKKPD[Phe409Val]SSQPAVHKLT